The following is an entry in ClinVar:

ClinVar aggregate classification (germline): Benign/Likely benign. Review status: criteria provided, multiple submitters, no conflicts (2 of 4 stars). 12 submissions from 12 submitters: Benign (6); Likely benign (2). 4 of the submissions do not count toward it. Last evaluated 2026-02-04.

Conditions:
Combined oxidative phosphorylation defect type 17. Also called: Combined oxidative phosphorylation deficiency 17. Identifiers: Orphanet 369913, MedGen C3809526, MONDO:0014190, OMIM 615440.
Prostate cancer, hereditary, 2 (HPC2). Identifiers: Orphanet 1331, MedGen C3539120, MONDO:0013872, OMIM 614731.

Allele frequency attached by ClinVar (database versions not stated): 1000 Genomes Project 30x 0.02311; 1000 Genomes Project 0.02316; TOPMed 0.02752; gnomAD 0.02886 and 0.02910; ExAC 0.03441; gnomAD exomes 0.03474 and 0.03798.
gnomAD v4.1: 59,906 of 1,614,038 alleles (3.7%); highest among the groups gnomAD compares: Middle Eastern, 5.4%; 1,293 homozygotes.

Submissions (12):

Labcorp Genetics (formerly Invitae), Labcorp
Classification: Benign for Combined oxidative phosphorylation defect type 17. Last evaluated: 2026-02-04. Review status: criteria provided, single submitter. Criteria: Invitae Variant Classification Sherloc (09022015). Collection method: clinical testing. Allele origin: germline.

Blueprint Genetics
Classification: Benign. Last evaluated: 2024-11-27. Review status: criteria provided, single submitter. Criteria: ACMG Guidelines, 2015. Collection method: clinical testing. Allele origin: germline.

Victorian Clinical Genetics Services, Murdoch Childrens Research Institute
Classification: Likely benign for Combined oxidative phosphorylation defect type 17. Last evaluated: 2022-02-02. Review status: criteria provided, single submitter. Criteria: ACMG Guidelines, 2015. Collection method: clinical testing. Allele origin: germline. Inheritance: Autosomal recessive inheritance.
Comment: Based on the classification scheme VCGS_Germline_v1.3.4, this variant is classified as likely benign. Following criteria are met: 0308 - Population frequency for this variant is out of keeping with known incidence of autosomal recessive Combined oxidative phosphorylation deficiency 17 (MIM#615440). (SB) Legend: (SP) - Supporting pathogenic, (I) - Information, (SB) - Supporting benign

Fulgent Genetics
Classification: Likely benign for Prostate cancer, hereditary, 2; Combined oxidative phosphorylation defect type 17. Last evaluated: 2021-10-26. Review status: criteria provided, single submitter. Criteria: ACMG Guidelines, 2015. Collection method: clinical testing. Allele origin: unknown.

Mendelics
Classification: Benign for Combined oxidative phosphorylation defect type 17. Last evaluated: 2019-05-28. Review status: criteria provided, single submitter. Criteria: Mendelics Assertion Criteria 2017. Collection method: clinical testing. Allele origin: unknown.

Laboratory for Molecular Medicine, Mass General Brigham Personalized Medicine
Classification: Benign. Last evaluated: 2016-03-29. Review status: criteria provided, single submitter. Criteria: LMM Criteria. Collection method: clinical testing. Allele origin: germline.
Comment: Variant identified in a genome or exome case(s) and assessed due to predicted null impact of the variant or pathogenic assertions in the literature or databases. Disclaimer: This variant has not undergone full assessment. The following are preliminary notes: Frequency - variant associated with prostate cancer.

GeneDx
Classification: Benign. Last evaluated: 2016-01-20. Review status: criteria provided, single submitter. Criteria: GeneDx Variant Classification (06012015). Collection method: clinical testing. Allele origin: germline. Affected: yes.
Comment: This variant is considered likely benign or benign based on one or more of the following criteria: it is a conservative change, it occurs at a poorly conserved position in the protein, it is predicted to be benign by multiple in silico algorithms, and/or has population frequency not consistent with disease.

Breakthrough Genomics
Classification: Benign. Review status: criteria provided, single submitter. Criteria: ACMG Guidelines, 2015. Collection method: not provided. Allele origin: germline. Inheritance: Autosomal recessive inheritance. Affected: yes.

Mayo Clinic Laboratories, Mayo Clinic
Classification: Benign. Last evaluated: 2016-02-15. Review status: no assertion criteria provided. Collection method: clinical testing. Allele origin: unknown. Not counted in ClinVar's aggregate classification.

OMIM
Classification: Pathogenic for PROSTATE CANCER, HEREDITARY, 2. Last evaluated: 2002-12-01. Review status: no assertion criteria provided. Collection method: literature only. Allele origin: germline. Not counted in ClinVar's aggregate classification.

Diagnostic Laboratory, Department of Genetics, University Medical Center Groningen
Classification: Benign. Review status: no assertion criteria provided. Collection method: clinical testing. Allele origin: germline. Affected: yes. Study: VKGL Data-share Consensus. Not counted in ClinVar's aggregate classification.

Genome Diagnostics Laboratory, University Medical Center Utrecht
Classification: Benign. Review status: no assertion criteria provided. Collection method: clinical testing. Allele origin: germline. Affected: yes. Study: VKGL Data-share Consensus. Not counted in ClinVar's aggregate classification.

Literature cited by the submitters: PubMed 10986046 (cited by OMIM); PubMed 12515253 (cited by OMIM); PubMed 11175785 (cited by OMIM).

NM_018127.7(ELAC2):c.1621G>A (p.Ala541Thr)

Gene: ELAC2 (elaC ribonuclease Z 2; minus strand). Cytogenetic location: 17p12.
Variant type: single nucleotide variant.
Coding change: c.1621G>A on transcript NM_018127.7 (MANE Select); coding-DNA position 1621, G replaced by A.
Protein change: p.Ala541Thr; replaces alanine 541 with threonine.
Molecular consequence: missense variant.
Genome position (GRCh38, 1-based): chr17:12,996,585, C>T on the plus strand (G>A on the coding strand, the complement: ELAC2 is on the minus strand). VCF-style: chr17-12996585-C-T. GRCh37 (hg19) VCF-style: chr17-12899902-C-T.
Other names: c.1501G>A, p.Ala501Thr (NM_001165962.2); c.1618G>A, p.Ala540Thr (NM_173717.2); short protein forms A541T, A501T, A540T.
Identifiers: ClinVar variation 5056 (VCV000005056.22), dbSNP rs5030739, ClinGen allele CA117233.